The following is an entry in ClinVar:

NM_144997.7(FLCN):c.583G>T (p.Gly195Ter)

Gene: FLCN (folliculin; minus strand). Cytogenetic location: 17p11.2.
Variant type: single nucleotide variant.
Coding change: c.583G>T on transcript NM_144997.7 (MANE Select); coding-DNA position 583, G replaced by T.
Protein change: p.Gly195Ter; replaces glycine 195 with a stop codon.
Molecular consequence: nonsense.
Genome position (GRCh38, 1-based): chr17:17,223,957, C>A on the plus strand (G>T on the coding strand, the complement: FLCN is on the minus strand). VCF-style: chr17-17223957-C-A. GRCh37 (hg19) VCF-style: chr17-17127271-C-A.
Other names: c.637G>T, p.Gly213Ter (NM_001353229.2); c.583G>T, p.Gly195Ter (NM_001353230.2, NM_001353231.2, NM_144606.7); c.583G>T (NM_144997.5); short protein forms G195*, G213*.
Identifiers: ClinVar variation 562464 (VCV000562464.7), dbSNP rs1567819544, ClinGen allele CA16616752.

ClinVar aggregate classification (germline): Pathogenic. Review status: criteria provided, multiple submitters, no conflicts (2 of 4 stars). 3 submissions from 3 submitters: Pathogenic (2). 1 of the submissions does not count toward it. Last evaluated 2026-05-05.

Conditions:
Hereditary cancer-predisposing syndrome. Also called: Tumor predisposition; Hereditary Cancer Syndrome; Neoplastic Syndromes, Hereditary; Hereditary neoplastic syndrome. Identifiers: Orphanet 140162, MedGen C0027672, MeSH D009386, MONDO:0015356.
Birt-Hogg-Dube syndrome. Also called: Birt Hogg Dubé syndrome. Identifiers: Orphanet 122, MedGen C0346010, MONDO:0800444.

Submissions (3):

Ambry Genetics
Classification: Pathogenic for Hereditary cancer-predisposing syndrome. Last evaluated: 2026-05-05. Review status: criteria provided, single submitter. Criteria: Ambry Variant Classification Scheme 2023. Collection method: clinical testing. Allele origin: germline.
Comment: The p.G195* pathogenic mutation (also known as c.583G>T), located in coding exon 3 of the FLCN gene, results from a G to T substitution at nucleotide position 583. This changes the amino acid from a glycine to a stop codon within coding exon 3. This variant was reported in individual(s) with features consistent with Birt-Hogg-Dube syndrome (Hou X et al. BMC Med Genet, 2018 Jan;19:14; Lim DH et al. Hum Mutat, 2010 Jan;31:E1043-51; Ambry internal data). This variant is considered to be rare based on population cohorts in the Genome Aggregation Database (gnomAD). This alteration is expected to result in loss of function by premature protein truncation or nonsense-mediated mRNA decay. As such, this alteration is interpreted as a disease-causing mutation.

Labcorp Genetics (formerly Invitae), Labcorp
Classification: Pathogenic for Birt-Hogg-Dube syndrome. Last evaluated: 2022-02-20. Review status: criteria provided, single submitter. Criteria: Invitae Variant Classification Sherloc (09022015). Collection method: clinical testing. Allele origin: germline.
Comment: This premature translational stop signal has been observed in individual(s) with clinical features of Birt-Hogg-Dubé syndrome (PMID: 19802896, 21937013, 29357828). ClinVar contains an entry for this variant (Variation ID: 562464). For these reasons, this variant has been classified as Pathogenic. This variant is not present in population databases (gnomAD no frequency). This sequence change creates a premature translational stop signal (p.Gly195*) in the FLCN gene. It is expected to result in an absent or disrupted protein product. Loss-of-function variants in FLCN are known to be pathogenic (PMID: 15852235).

Gharavi Laboratory, Columbia University
Classification: Pathogenic. Last evaluated: 2018-09-16. Review status: no assertion criteria provided. Criteria: ACMG Guidelines, 2015. Collection method: research. Allele origin: germline. Affected: yes. Not counted in ClinVar's aggregate classification.

Literature cited by the submitters: PubMed 19802896 (cited by Ambry Genetics and Labcorp Genetics (formerly Invitae), Labcorp); PubMed 29357828 (cited by Ambry Genetics and Labcorp Genetics (formerly Invitae), Labcorp); PubMed 21937013 (cited by Labcorp Genetics (formerly Invitae), Labcorp); PubMed 15852235 (cited by Labcorp Genetics (formerly Invitae), Labcorp).